The following is an entry in ClinVar:

ClinVar aggregate classification (germline): Pathogenic (1 of 4 stars; one submission).

Conditions:
Ciliopathy. Also called: Ciliopathies. Identifiers: Orphanet 363250, MedGen C4277690, MONDO:0005308, MeSH D000072661.

Submission:

Myriad Genetics, Inc.
Classification: Pathogenic for Ciliopathy. Last evaluated: 2024-01-10. Review status: criteria provided, single submitter. Criteria: Myriad Autosomal Dominant, Autosomal Recessive and X-Linked Classification Criteria (2023). Collection method: clinical testing. Allele origin: unknown.
Comment: NM_017777.3(MKS1):c.321C>A(Y107*) is expected to be pathogenic in the context of MKS1-related disorders. This variant is predicted to lead to an abnormal or absent protein product due to the creation of a premature termination codon in MKS1, a gene where loss-of-function variants are known to be pathogenic. Please note: this variant was assessed in the context of healthy population screening.

NM_017777.4(MKS1):c.321C>A (p.Tyr107Ter)

Gene: MKS1 (MKS transition zone complex subunit 1; minus strand). Cytogenetic location: 17q22.
Variant type: single nucleotide variant.
Coding change: c.321C>A on transcript NM_017777.4 (MANE Select); coding-DNA position 321, C replaced by A.
Protein change: p.Tyr107Ter; replaces tyrosine 107 with a stop codon.
Molecular consequence: nonsense. On other transcripts: 5 prime UTR variant (1).
Genome position (GRCh38, 1-based): chr17:58,216,184, G>T on the plus strand (C>A on the coding strand, the complement: MKS1 is on the minus strand). VCF-style: chr17-58216184-G-T. GRCh37 (hg19) VCF-style: chr17-56293545-G-T.
Other names: c.-191C>A (NM_001321268.2); c.321C>A, p.Tyr107Ter (NM_001321269.2, NM_001330397.2, NM_001411113.1); short protein forms Y107*.
Identifiers: ClinVar variation 5012639 (VCV005012639.1).